The following is an entry in ClinVar:

NM_182961.4(SYNE1):c.20044G>A (p.Val6682Met)

Gene: SYNE1 (spectrin repeat containing nuclear envelope protein 1; minus strand). Cytogenetic location: 6q25.2.
Variant type: single nucleotide variant.
Coding change: c.20044G>A on transcript NM_182961.4 (MANE Select); coding-DNA position 20044, G replaced by A.
Protein change: p.Val6682Met; replaces valine 6682 with methionine.
Molecular consequence: missense variant.
Genome position (GRCh38, 1-based): chr6:152,239,556, C>T on the plus strand (G>A on the coding strand, the complement: SYNE1 is on the minus strand). VCF-style: chr6-152239556-C-T. GRCh37 (hg19) VCF-style: chr6-152560691-C-T.
Other names: c.19831G>A, p.Val6611Met (NM_033071.5); short protein forms V6611M, V6682M.
Identifiers: ClinVar variation 1309356 (VCV001309356.2), dbSNP rs1204097969, ClinGen allele CA366126226.

ClinVar aggregate classification (germline): Uncertain significance (1 of 4 stars; one submission).

Allele frequency attached by ClinVar (database versions not stated): gnomAD exomes 0.00001.
gnomAD v4.1: 3 of 1,614,190 alleles (0.00019%); highest among the groups gnomAD compares: Admixed American, 0.0033%; no homozygotes.

Submission:

GeneDx
Classification: Uncertain significance. Last evaluated: 2019-10-16. Review status: criteria provided, single submitter. Criteria: GeneDx Variant Classification Process June 2021. Collection method: clinical testing. Allele origin: germline. Affected: yes.
Comment: Not observed at a significant frequency in large population cohorts (Lek et al., 2016); In silico analysis, which includes protein predictors and evolutionary conservation, supports that this variant does not alter protein structure/function; In silico analysis, which includes splice predictors and evolutionary conservation, suggests this variant may impact gene splicing. In the absence of RNA/functional studies, the actual effect of this sequence change is unknown.; Has not been previously published as pathogenic or benign to our knowledge